The following is an entry in ClinVar:

ClinVar aggregate classification (germline): Benign (1 of 4 stars; one submission).

Conditions:
Familial adenomatous polyposis 1 (FAP1). Also called: POLYPOSIS, ADENOMATOUS INTESTINAL; FAMILIAL ADENOMATOUS POLYPOSIS 1, ATTENUATED. Identifiers: MedGen C2713442, MONDO:0021056, OMIM 175100. Disease mechanism: loss of function.

Submission:

Myriad Genetics, Inc.
Classification: Benign for Familial adenomatous polyposis 1. Last evaluated: 2024-04-09. Review status: criteria provided, single submitter. Criteria: Myriad Autosomal Dominant, Autosomal Recessive and X-Linked Classification Criteria (2023). Collection method: clinical testing. Allele origin: unknown.
Comment: This variant is considered benign. This variant is a silent/synonymous amino acid change and it is not expected to impact splicing.

NM_000038.6(APC):c.7524A>C (p.Pro2508=)

Gene: APC (APC regulator of Wnt signaling pathway; plus strand). Cytogenetic location: 5q22.2.
Variant type: single nucleotide variant.
Coding change: c.7524A>C on transcript NM_000038.6 (MANE Select); coding-DNA position 7524, A replaced by C.
Protein change: p.Pro2508=; no amino-acid change (proline 2508 retained).
Molecular consequence: synonymous variant. On other transcripts: non-coding transcript variant (2).
Genome position (GRCh38, 1-based): chr5:112,843,118, A>C. VCF-style: chr5-112843118-A-C. GRCh37 (hg19) VCF-style: chr5-112178815-A-C.
Other names: c.7524A>C, p.Pro2508= (NM_001127510.3, NM_001354895.2, NM_001407450.1); c.7470A>C, p.Pro2490= (NM_001127511.3); c.7578A>C, p.Pro2526= (NM_001354896.2, NM_001407447.1, NM_001407448.1 and 1 more transcripts); c.7554A>C, p.Pro2518= (NM_001354897.2); c.7449A>C, p.Pro2483= (NM_001354898.2); c.7440A>C, p.Pro2480= (NM_001354899.2); c.7401A>C, p.Pro2467= (NM_001354900.2); c.7347A>C, p.Pro2449= (NM_001354901.2, NM_001407453.1); and 11 more.
Identifiers: ClinVar variation 3253919 (VCV003253919.1), dbSNP rs2149988898.